The following is an entry in ClinVar:

ClinVar aggregate classification (germline): Uncertain significance (1 of 4 stars; one submission).

Conditions:
Hyperekplexia 2 (HKPX2). Identifiers: Orphanet 3197, MedGen C3553291, MONDO:0013828, OMIM 614619.

Submission:

Labcorp Genetics (formerly Invitae), Labcorp
Classification: Uncertain significance for Hyperekplexia 2. Last evaluated: 2022-08-09. Review status: criteria provided, single submitter. Criteria: Invitae Variant Classification Sherloc (09022015). Collection method: clinical testing. Allele origin: germline.
Comment: This sequence change replaces leucine, which is neutral and non-polar, with valine, which is neutral and non-polar, at codon 262 of the GLRB protein (p.Leu262Val). In summary, the available evidence is currently insufficient to determine the role of this variant in disease. Therefore, it has been classified as a Variant of Uncertain Significance. Algorithms developed to predict the effect of missense changes on protein structure and function (SIFT, PolyPhen-2, Align-GVGD) all suggest that this variant is likely to be disruptive. This variant has not been reported in the literature in individuals affected with GLRB-related conditions. This variant is not present in population databases (gnomAD no frequency).

NM_000824.5(GLRB):c.784C>G (p.Leu262Val)

Gene: GLRB (glycine receptor beta; plus strand). Cytogenetic location: 4q32.1.
Variant type: single nucleotide variant.
Coding change: c.784C>G on transcript NM_000824.5 (MANE Select); coding-DNA position 784, C replaced by G.
Protein change: p.Leu262Val; replaces leucine 262 with valine.
Molecular consequence: missense variant.
Genome position (GRCh38, 1-based): chr4:157,143,839, C>G. VCF-style: chr4-157143839-C-G. GRCh37 (hg19) VCF-style: chr4-158064991-C-G.
Other names: c.784C>G, p.Leu262Val (NM_001166060.2, NM_001166061.2); short protein forms L262V.
Identifiers: ClinVar variation 2107773 (VCV002107773.4), dbSNP rs2530082632, ClinGen allele CA358643930.